The following is an entry in ClinVar:

ClinVar aggregate classification (germline): Likely benign (0 of 4 stars; one submission).

Conditions:
VWA2-related disorder. Also called: VWA2-related condition.

Allele frequency attached by ClinVar (database versions not stated): ESP Exome Variant Server 0.00008; ExAC 0.00009; gnomAD 0.00012; TOPMed 0.00013; gnomAD exomes 0.00020.
gnomAD v4.1: 307 of 1,614,020 alleles (0.019%); highest among the groups gnomAD compares: Admixed American, 0.033%; no homozygotes.

Submission:

PreventionGenetics, part of Exact Sciences
Classification: Likely benign for VWA2-related condition. Last evaluated: 2020-02-12. Review status: no assertion criteria provided. Collection method: clinical testing. Allele origin: germline.
Comment: This variant is classified as likely benign based on ACMG/AMP sequence variant interpretation guidelines (Richards et al. 2015 PMID: 25741868, with internal and published modifications).

NM_001272046.2(VWA2):c.312C>T (p.Pro104=)

Gene: VWA2 (von Willebrand factor A domain containing 2; plus strand). Cytogenetic location: 10q25.3.
Variant type: single nucleotide variant.
Coding change: c.312C>T on transcript NM_001272046.2 (MANE Select); coding-DNA position 312, C replaced by T.
Protein change: p.Pro104=; no amino-acid change (proline 104 retained).
Molecular consequence: synonymous variant.
Genome position (GRCh38, 1-based): chr10:114,261,236, C>T. VCF-style: chr10-114261236-C-T. GRCh37 (hg19) VCF-style: chr10-116020995-C-T.
Other names: c.312C>T, p.Pro104= (NM_001320804.1).
Identifiers: ClinVar variation 3051516 (VCV003051516.2), dbSNP rs376574990, ClinGen allele CA5700273.